The following is an entry in ClinVar:

NM_000260.4(MYO7A):c.1954T>C (p.Cys652Arg)

Gene: MYO7A (myosin VIIA; plus strand). Cytogenetic location: 11q13.5.
Variant type: single nucleotide variant.
Coding change: c.1954T>C on transcript NM_000260.4 (MANE Select); coding-DNA position 1954, T replaced by C.
Protein change: p.Cys652Arg; replaces cysteine 652 with arginine.
Molecular consequence: missense variant.
Genome position (GRCh38, 1-based): chr11:77,174,774, T>C. VCF-style: chr11-77174774-T-C. GRCh37 (hg19) VCF-style: chr11-76885820-T-C.
Other names: c.1954T>C, p.Cys652Arg (NM_001127180.2); c.1921T>C, p.Cys641Arg (NM_001369365.1); short protein forms C641R, C652R.
Identifiers: ClinVar variation 2910280 (VCV002910280.5), dbSNP rs957394613, ClinGen allele CA381939133.

ClinVar aggregate classification (germline): Pathogenic/Likely pathogenic. Review status: criteria provided, multiple submitters, no conflicts (2 of 4 stars). 2 submissions from 2 submitters: Pathogenic (1); Likely pathogenic (1). Last evaluated 2025-01-27.

Conditions:
Usher syndrome. Also called: Usher's syndrome; Usher Syndromes. Identifiers: Orphanet 886, MedGen CN469326, MeSH D052245, MONDO:0019501. Disease mechanism: loss of function.

Submissions (2):

Women's Health and Genetics/Laboratory Corporation of America, LabCorp
Classification: Likely pathogenic for Usher syndrome. Last evaluated: 2025-01-27. Review status: criteria provided, single submitter. Criteria: LabCorp Variant Classification Summary - May 2015. Collection method: clinical testing. Allele origin: germline.
Comment: Variant summary: MYO7A c.1954T>C (p.Cys652Arg) results in a non-conservative amino acid change located in the Myosin. Large ATPases domain (IPR001609) of the encoded protein sequence. Five of five in-silico tools predict a damaging effect of the variant on protein function. The variant was absent in 227028 control chromosomes. c.1954T>C has been reported in trans with a pathogenic frameshift in the literature in multiple siblings affected with clinical features of Usher Syndrome (example, Wang_2017). These data indicate that the variant may be associated with disease. To our knowledge, no experimental evidence demonstrating an impact on protein function has been reported. The following publication has been ascertained in the context of this evaluation (PMID: 28281779). ClinVar contains an entry for this variant (Variation ID: 2910280). Based on the evidence outlined above, the variant was classified as likely pathogenic.

Labcorp Genetics (formerly Invitae), Labcorp
Classification: Pathogenic. Last evaluated: 2023-05-02. Review status: criteria provided, single submitter. Criteria: Invitae Variant Classification Sherloc (09022015). Collection method: clinical testing. Allele origin: germline.
Comment: For these reasons, this variant has been classified as Pathogenic. Advanced modeling of protein sequence and biophysical properties (such as structural, functional, and spatial information, amino acid conservation, physicochemical variation, residue mobility, and thermodynamic stability) performed at Invitae indicates that this missense variant is expected to disrupt MYO7A protein function. This missense change has been observed in individual(s) with Usher syndrome (PMID: 28281779). In at least one individual the data is consistent with being in trans (on the opposite chromosome) from a pathogenic variant. It has also been observed to segregate with disease in related individuals. This variant is not present in population databases (gnomAD no frequency). This sequence change replaces cysteine, which is neutral and slightly polar, with arginine, which is basic and polar, at codon 652 of the MYO7A protein (p.Cys652Arg).

Literature cited by the submitters: PubMed 28281779 (cited by Women's Health and Genetics/Laboratory Corporation of America, LabCorp and Labcorp Genetics (formerly Invitae), Labcorp).